The following is an entry in ClinVar:

NM_004837.4(GGPS1):c.673C>T (p.Pro225Ser)

Gene: GGPS1 (geranylgeranyl diphosphate synthase 1; plus strand). Cytogenetic location: 1q42.3.
Variant type: single nucleotide variant.
Coding change: c.673C>T on transcript NM_004837.4 (MANE Select); coding-DNA position 673, C replaced by T.
Protein change: p.Pro225Ser; replaces proline 225 with serine.
Molecular consequence: missense variant.
Genome position (GRCh38, 1-based): chr1:235,342,542, C>T. VCF-style: chr1-235342542-C-T. GRCh37 (hg19) VCF-style: chr1-235505857-C-T.
Other names: c.673C>T, p.Pro225Ser (NM_001037277.1, NM_001371477.1, NM_001371478.1); c.511C>T, p.Pro171Ser (NM_001037278.2); short protein forms P171S, P225S.
Identifiers: ClinVar variation 3671401 (VCV003671401.3).

ClinVar aggregate classification (germline): Uncertain significance. Review status: criteria provided, multiple submitters, no conflicts (2 of 4 stars). 2 submissions from 2 submitters: Uncertain significance (2). Last evaluated 2025-09-25.

gnomAD v4.1: 22 of 1,612,484 alleles (0.0014%); highest among the groups gnomAD compares: African/African-American, 0.029%; no homozygotes.

Submissions (2):

Ambry Genetics
Classification: Uncertain significance. Last evaluated: 2025-09-25. Review status: criteria provided, single submitter. Criteria: Ambry Variant Classification Scheme 2023. Collection method: clinical testing. Allele origin: germline.

Labcorp Genetics (formerly Invitae), Labcorp
Classification: Uncertain significance. Last evaluated: 2024-11-03. Review status: criteria provided, single submitter. Criteria: Invitae Variant Classification Sherloc (09022015). Collection method: clinical testing. Allele origin: germline.
Comment: This sequence change replaces proline, which is neutral and non-polar, with serine, which is neutral and polar, at codon 225 of the GGPS1 protein (p.Pro225Ser). This variant is present in population databases (rs765969703, gnomAD 0.02%). This variant has not been reported in the literature in individuals affected with GGPS1-related conditions. An algorithm developed to predict the effect of missense changes on protein structure and function (PolyPhen-2) suggests that this variant is likely to be tolerated. In summary, the available evidence is currently insufficient to determine the role of this variant in disease. Therefore, it has been classified as a Variant of Uncertain Significance.